The following is an entry in ClinVar:

ClinVar aggregate classification (germline): Pathogenic (1 of 4 stars; one submission).

Submission:

Labcorp Genetics (formerly Invitae), Labcorp
Classification: Pathogenic. Last evaluated: 2021-09-06. Review status: criteria provided, single submitter. Criteria: Invitae Variant Classification Sherloc (09022015). Collection method: clinical testing. Allele origin: germline.
Comment: This sequence change creates a premature translational stop signal (p.Leu330Trpfs*19) in the MTTP gene. It is expected to result in an absent or disrupted protein product. Loss-of-function variants in MTTP are known to be pathogenic (PMID: 8533758, 9671739). This variant is not present in population databases (ExAC no frequency). This variant has not been reported in the literature in individuals affected with MTTP-related conditions. For these reasons, this variant has been classified as Pathogenic.

Literature cited by the submitters: PubMed 8533758; PubMed 9671739.

NM_001386140.1(MTTP):c.988del (p.Leu330fs)

Gene: MTTP (microsomal triglyceride transfer protein; plus strand). Cytogenetic location: 4q23.
Variant type: Deletion.
Coding change: c.988del on transcript NM_001386140.1 (MANE Select); coding-DNA position 988, one base deleted (C; older notation c.988delC).
Protein change: p.Leu330fs; shifts the reading frame from leucine 330.
Molecular consequence: frameshift variant.
Genome position (GRCh38, 1-based): chr4:99,597,145, C deleted; the last of 2 consecutive C bases (chr4:99,597,144-99,597,145); deleting either gives the same sequence. VCF-style (leftmost placement, unchanged base first): chr4-99597143-TC-T. GRCh37 (hg19) VCF-style: chr4-100518300-TC-T.
Other names: c.988del, p.Leu330fs (NM_000253.4); c.739del, p.Leu247fs (NM_001300785.2); short protein forms L330fs, L247fs.
Identifiers: ClinVar variation 1450470 (VCV001450470.6), dbSNP rs2110222234, ClinGen allele CA2573138515.